The following is an entry in ClinVar:

NM_001374353.1(GLI2):c.2470C>A (p.Leu824Met)

Gene: GLI2 (GLI family zinc finger 2; plus strand). Cytogenetic location: 2q14.2.
Variant type: single nucleotide variant.
Coding change: c.2470C>A on transcript NM_001374353.1 (MANE Select); coding-DNA position 2470, C replaced by A.
Protein change: p.Leu824Met; replaces leucine 824 with methionine.
Molecular consequence: missense variant.
Genome position (GRCh38, 1-based): chr2:120,988,435, C>A. VCF-style: chr2-120988435-C-A. GRCh37 (hg19) VCF-style: chr2-121746011-C-A.
Other names: c.2521C>A, p.Leu841Met (NM_001371271.1, NM_005270.5); c.2095C>A, p.Leu699Met (NM_001374354.1); short protein forms L699M, L824M, L841M.
Identifiers: ClinVar variation 2628641 (VCV002628641.1), dbSNP rs759692739, ClinGen allele CA1852242.

ClinVar aggregate classification (germline): Uncertain significance (1 of 4 stars; one submission).

Conditions:
GLI2-related disorder. Also called: GLI2-related condition; GLI2-related disorders.

Allele frequency attached by ClinVar (database versions not stated): TOPMed 0.00001; ExAC 0.00003.
gnomAD v4.1: 5 of 1,574,618 alleles (0.00032%); highest among the groups gnomAD compares: Admixed American, 0.0086%; no homozygotes.

Submission:

PreventionGenetics, part of Exact Sciences
Classification: Uncertain significance for GLI2-related condition. Last evaluated: 2023-06-22. Review status: criteria provided, single submitter. Criteria: ACMG Guidelines, 2015. Collection method: clinical testing. Allele origin: germline.
Comment: The GLI2 c.2521C>A variant is predicted to result in the amino acid substitution p.Leu841Met. To our knowledge, this variant has not been reported in the literature. This variant is reported in 0.016% of alleles in individuals of Latino descent in gnomAD. At this time, the clinical significance of this variant is uncertain due to the absence of conclusive functional and genetic evidence.